The following is an entry in ClinVar:

ClinVar aggregate classification (germline): Pathogenic. Review status: criteria provided, multiple submitters, no conflicts (2 of 4 stars). 11 submissions from 10 submitters: Pathogenic (9). 2 of the submissions do not count toward it. Last evaluated 2025-06-04.

Conditions:
CDKL5 disorder. Identifiers: MedGen CN296942, MONDO:0100039.
Angelman syndrome-like. Identifiers: MedGen CN128785.
Developmental and epileptic encephalopathy, 2 (DEE2). Also called: CDKL5 deficiency disorder; INFANTILE SPASM SYNDROME, X-LINKED 2. Identifiers: Orphanet 1934, Orphanet 3451, Orphanet 505652, MedGen C4750718, MONDO:0010396, OMIM 300672.
Atypical Rett syndrome. Also called: Variant Rett Syndrome; Rett like syndrome. Identifiers: Orphanet 3095, MedGen C2748910, MONDO:0017746.
CDKL5-related disorder.

Submissions (11):

Labcorp Genetics (formerly Invitae), Labcorp
Classification: Pathogenic for Developmental and epileptic encephalopathy, 2; Angelman syndrome-like. Last evaluated: 2025-06-04. Review status: criteria provided, single submitter. Criteria: Invitae Variant Classification Sherloc (09022015). Collection method: clinical testing. Allele origin: germline.
Comment: This sequence change creates a premature translational stop signal (p.Arg550*) in the CDKL5 gene. It is expected to result in an absent or disrupted protein product. Loss-of-function variants in CDKL5 are known to be pathogenic (PMID: 22872100). This variant is not present in population databases (gnomAD no frequency). This premature translational stop signal has been observed in individuals with clinical features of CDKL5-related conditions (PMID: 18063413, 21318334, 22678952). ClinVar contains an entry for this variant (Variation ID: 143780). For these reasons, this variant has been classified as Pathogenic.

Centre for Population Genomics, CPG
Classification: Pathogenic for CDKL5 disorder. Last evaluated: 2024-08-21. Review status: criteria provided, single submitter. Criteria: McKnight et al. (Hum Mutat. 2022). Collection method: curation. Allele origin: germline. Inheritance: X-linked inheritance.
Comment: This variant has been collected from RettBASE and curated to current modified ACMG/AMP criteria. Based on the classification scheme defined by the ClinGen Rett/Angelman-like Expert Panel for Rett/AS-like Disorders Specifications to the ACMG/AMP Variant Interpretation Guidelines VCEP 3.0, this variant is classified as pathogenic. At least the following criteria are met: Predicted to result in loss of function, and LOF is a known mechanism of disease (PVS1). Has been observed in at least 2 individuals with phenotypes consistent with CDKL5 disorder (PS4_Supporting). PMID18063413 ClinVar Variation ID: 143780 This variant is absent from gnomAD v4 (PM2_Supporting).

3billion
Classification: Pathogenic for Developmental and epileptic encephalopathy, 2. Last evaluated: 2024-02-26. Review status: criteria provided, single submitter. Criteria: ACMG Guidelines, 2015. Collection method: clinical testing. Allele origin: germline. Affected: yes.
Comment: The variant is not observed in the gnomAD v2.1.1 dataset. Predicted Consequence/Location: Stop-gained (nonsense): predicted to result in a loss or disruption of normal protein function through nonsense-mediated decay (NMD) or protein truncation. Multiple pathogenic variants are reported downstream of the variant. The variant has been previously reported as de novo in a similarly affected individual (PMID: 19241098). The variant has been reported at least twice as pathogenic with clinical assertions and evidence for the classification (ClinVar ID: VCV000143780 /PMID: 18063413 /3billion dataset). Therefore, this variant is classified as Pathogenic according to the recommendation of ACMG/AMP guideline.

GeneDx
Classification: Pathogenic. Last evaluated: 2023-10-01. Review status: criteria provided, single submitter. Criteria: GeneDx Variant Classification Process June 2021. Collection method: clinical testing. Allele origin: germline. Affected: yes.
Comment: Reported in association with atypical Rett syndrome and CDKL5-related disorders (Pintaudi et al., 2008; Rademacher et al., 2011; Bahi-Buisson et al., 2012); Nonsense variant predicted to result in protein truncation or nonsense mediated decay in a gene for which loss-of-function is a known mechanism of disease; Not observed at significant frequency in large population cohorts (gnomAD); This variant is associated with the following publications: (PMID: 29264392, 27599155, 25525159, 19241098, 18063413, 21318334, 29655203, 31313283, 31232219, 33714067, 33436160, 33047306, 35153983, 22678952)

Victorian Clinical Genetics Services, Murdoch Childrens Research Institute
Classification: Pathogenic for Developmental and epileptic encephalopathy, 2. Last evaluated: 2022-09-02. Review status: criteria provided, single submitter. Criteria: ACMG Guidelines, 2015. Collection method: clinical testing. Allele origin: germline. Inheritance: Autosomal dominant inheritance. Affected: yes.
Comment: Based on the classification scheme VCGS_Germline_v1.3.4, this variant is classified as Pathogenic. Following criteria are met: 0102 - Loss of function is a known mechanism of disease in this gene and is associated with developmental and epileptic encephalopathy 2 (MIM#300672). (I) 0110 - This gene is associated with X-linked dominant disease. (I) 0201 - Variant is predicted to cause nonsense-mediated decay (NMD) and loss of protein (premature termination codon is located at least 54 nucleotides upstream of the final exon-exon junction). (SP) 0251 - This variant is heterozygous. (I) 0301 - Variant is absent from gnomAD (both v2 and v3). (SP) 0701 - Other NMD-predicted variants comparable to the one identified in this case have very strong previous evidence for pathogenicity (DECIPHER). (SP) 0801 - This variant has strong previous evidence of pathogenicity in unrelated individuals. This variant has been classified as pathogenic by clinical laboratories in ClinVar and identified in individuals with epileptic encephalopathy and early-onset seizures in the literature (PMID: PMID:22678952, PMID:18063413, PMID:33436160, PMID:27599155). (SP) 1208 - Inheritance information for this variant is not currently available in this individual. (I) Legend: (SP) - Supporting pathogenic, (I) - Information, (SB) - Supporting benign

CeGaT Center for Human Genetics Tuebingen
Classification: Pathogenic. Last evaluated: 2021-11-01. Review status: criteria provided, single submitter. Criteria: CeGaT Center For Human Genetics Tuebingen Variant Classification Criteria Version 2. Collection method: clinical testing. Allele origin: germline. Affected: yes. Observed: 4 variant alleles.

Undiagnosed Diseases Network, NIH
Classification: Pathogenic for Developmental and epileptic encephalopathy, 2. Last evaluated: 2021-07-30. Review status: criteria provided, single submitter. Criteria: ACMG Guidelines, 2015. Collection method: clinical testing. Allele origin: de novo. Inheritance: Autosomal dominant inheritance. Affected: yes. Observed: 1 variant allele, 1 heterozygote. Study: Undiagnosed Diseases Network (NIH), UDN.

Blueprint Genetics
Classification: Pathogenic for CDKL5-related disorders. Last evaluated: 2019-10-25. Review status: criteria provided, single submitter. Criteria: ACMG Guidelines, 2015. Collection method: clinical testing. Allele origin: germline. Affected: yes. Observed: 2 variant alleles.

Centre de Biologie Pathologie Génétique, Centre Hospitalier Universitaire de Lille
Classification: Pathogenic for Developmental and epileptic encephalopathy, 2. Review status: criteria provided, single submitter. Criteria: ACMG Guidelines, 2015. Collection method: clinical testing. Allele origin: de novo. Affected: yes.

RettBASE
Classification: Pathogenic for Atypical Rett syndrome. Last evaluated: 2014-03-13. Review status: no assertion criteria provided. Collection method: curation. Allele origin: de novo. Affected: yes. Observed: 1 variant allele. Not counted in ClinVar's aggregate classification.

RettBASE
Classification: Pathogenic for Epileptic encephalopathy, early infantile, 2. Last evaluated: 2014-03-13. Review status: no assertion criteria provided. Collection method: curation. Allele origin: unknown. Affected: yes. Observed: 1 variant allele. Not counted in ClinVar's aggregate classification.

Literature cited by the submitters: PubMed 22872100 (cited by Labcorp Genetics (formerly Invitae), Labcorp); PubMed 18063413 (cited by 4 submitters); PubMed 21318334 (cited by Labcorp Genetics (formerly Invitae), Labcorp and RettBASE); PubMed 22678952 (cited by Labcorp Genetics (formerly Invitae), Labcorp and Victorian Clinical Genetics Services, Murdoch Childrens Research Institute); PubMed 19241098 (cited by 3billion); PubMed 27599155 (cited by Victorian Clinical Genetics Services, Murdoch Childrens Research Institute); PubMed 33436160 (cited by Victorian Clinical Genetics Services, Murdoch Childrens Research Institute).

NM_001323289.2(CDKL5):c.1648C>T (p.Arg550Ter)

Gene: CDKL5 (cyclin dependent kinase like 5; plus strand). Cytogenetic location: Xp22.13.
Variant type: single nucleotide variant.
Coding change: c.1648C>T on transcript NM_001323289.2 (MANE Select); coding-DNA position 1648, C replaced by T.
Protein change: p.Arg550Ter; replaces arginine 550 with a stop codon.
Molecular consequence: nonsense.
Genome position (GRCh38, 1-based): chrX:18,604,572, C>T. VCF-style: chrX-18604572-C-T. GRCh37 (hg19) VCF-style: chrX-18622692-C-T.
Other names: p.R550*:CGA>TGA; p.R550*; NM_001323289.2(CDKL5):c.1648C>T; p.Arg550Ter; c.1648C>T, p.Arg550Ter (NM_001037343.2, NM_003159.3); c.1648C>T (NM_001323289.1); short protein forms R550*.
Identifiers: ClinVar variation 143780 (VCV000143780.61), dbSNP rs267608643, ClinGen allele CA199285.